The following is an entry in ClinVar:

NM_003647.3(DGKE):c.465-2A>G

Gene: DGKE (diacylglycerol kinase epsilon; plus strand). Cytogenetic location: 17q22.
Variant type: single nucleotide variant.
Coding change: c.465-2A>G on transcript NM_003647.3 (MANE Select); the canonical splice acceptor site of the intron before coding-DNA position 465, A replaced by G.
Molecular consequence: splice acceptor variant.
Genome position (GRCh38, 1-based): chr17:56,844,017, A>G. VCF-style: chr17-56844017-A-G. GRCh37 (hg19) VCF-style: chr17-54921378-A-G.
Identifiers: ClinVar variation 3068304 (VCV003068304.2), dbSNP rs1907143128, ClinGen allele CA399925881.
Genomic context (GRCh38, chr17:56,844,017, plus strand): 5'-TGTGGGTTATCATTGAGATTATGGTTTAAAATTAGTTAATGCTTGTTTCTTCCTTCCCTC[A>G]GGTGCATTTGGTGCCAGAAAACAGTACATGATGAGTGCATGAAAAATAGTTTAAAGAATG-3'

ClinVar aggregate classification (germline): Pathogenic/Likely pathogenic. Review status: criteria provided, multiple submitters, no conflicts (2 of 4 stars). 2 submissions from 2 submitters: Pathogenic (1); Likely pathogenic (1). Last evaluated 2025-09-26.

Conditions:
Atypical hemolytic-uremic syndrome. Identifiers: Orphanet 2134, MedGen C2931788, MONDO:0016244.
Immunoglobulin-mediated membranoproliferative glomerulonephritis. Also called: NEPHROTIC SYNDROME, TYPE 7, WITH MEMBRANOPROLIFERATIVE GLOMERULONEPHRITIS; Nephrotic syndrome, type 7. Identifiers: Orphanet 329903, MedGen C3554330, MONDO:0014005, OMIM 615008.

Allele frequency attached by ClinVar (database versions not stated): gnomAD exomes below 0.00001.
gnomAD v4.1: 3 of 1,538,238 alleles (0.0002%); highest among the groups gnomAD compares: Non-Finnish European, 0.00026%; no homozygotes.

Submissions (2):

Genomenon, Inc
Classification: Pathogenic for Atypical hemolytic-uremic syndrome. Last evaluated: 2025-09-26. Review status: criteria provided, single submitter. Criteria: Genomenon Sequence Variant Interpretation Standards - Updated. Collection method: curation. Allele origin: germline. Affected: yes.
Comment: DGKE c.465-2A>G is a canonical splice variant located in the acceptor splice region of intron 2. This variant has been observed in at least one proband affected with atypical hemolytic-uremic syndrome (PMID:32386968;26283675). At least one splicing study identified that this variant results in aberrant splicing (PMID:32386968). It is absent or not present at a significant frequency in gnomAD. In conclusion, we classify DGKE c.465-2A>G as a pathogenic variant.

Genomic Medicine Center of Excellence, King Faisal Specialist Hospital and Research Centre
Classification: Likely pathogenic for Immunoglobulin-mediated membranoproliferative glomerulonephritis. Last evaluated: 2024-04-04. Review status: criteria provided, single submitter. Criteria: ACMG Guidelines, 2015. Collection method: clinical testing. Allele origin: germline.

Literature cited by the submitters: PubMed 32386968 (cited by Genomenon, Inc); PubMed 26283675 (cited by Genomenon, Inc).